The following is an entry in ClinVar:

NM_016123.4(IRAK4):c.958G>T (p.Asp320Tyr)

Gene: IRAK4 (interleukin 1 receptor associated kinase 4; plus strand). Cytogenetic location: 12q12.
Variant type: single nucleotide variant.
Coding change: c.958G>T on transcript NM_016123.4 (MANE Select); coding-DNA position 958, G replaced by T.
Protein change: p.Asp320Tyr; replaces aspartic acid 320 with tyrosine.
Molecular consequence: missense variant.
Genome position (GRCh38, 1-based): chr12:43,782,323, G>T. VCF-style: chr12-43782323-G-T. GRCh37 (hg19) VCF-style: chr12-44176126-G-T.
Other names: c.958G>T, p.Asp320Tyr (NM_001114182.3, NM_001351345.2); c.586G>T, p.Asp196Tyr (NM_001145256.2, NM_001145257.2, NM_001145258.2 and 5 more transcripts); c.349G>T, p.Asp117Tyr (NM_001351343.2, NM_001351344.2); short protein forms D117Y, D196Y, D320Y.
Identifiers: ClinVar variation 4056881 (VCV004056881.1).

ClinVar aggregate classification (germline): Uncertain significance (1 of 4 stars; one submission).

Submission:

GeneDx
Classification: Uncertain significance. Last evaluated: 2025-01-14. Review status: criteria provided, single submitter. Criteria: GeneDx Variant Classification Process June 2021. Collection method: clinical testing. Allele origin: germline. Affected: yes.
Comment: Not observed at significant frequency in large population cohorts (gnomAD); In silico analysis supports that this missense variant has a deleterious effect on protein structure/function; This variant is associated with the following publications: (PMID: 37744344)